The following is an entry in ClinVar:

NM_021224.6(ZNF462):c.2072A>G (p.Lys691Arg)

Gene: ZNF462 (zinc finger protein 462; plus strand). Cytogenetic location: 9q31.2.
Variant type: single nucleotide variant.
Coding change: c.2072A>G on transcript NM_021224.6 (MANE Select); coding-DNA position 2072, A replaced by G.
Protein change: p.Lys691Arg; replaces lysine 691 with arginine.
Molecular consequence: missense variant.
Genome position (GRCh38, 1-based): chr9:106,925,984, A>G. VCF-style: chr9-106925984-A-G. GRCh37 (hg19) VCF-style: chr9-109688265-A-G.
Other names: c.2072A>G, p.Lys691Arg (NM_001347997.2); short protein forms K691R.
Identifiers: ClinVar variation 5037741 (VCV005037741.1).
Genomic context (GRCh38, chr9:106,925,984, plus strand): 5'-TTGTAGCTAAAGCCTCTAGGAAGCTCGCCAATGACTTTCCTCTAGATTTGTCACCCGTGA[A>G]GAAGAGAACCAGGATTGACGAGATAGCAAGCAACCTTCAGAGCAAAATTAACCAAACCAA-3'
Protein context (NP_067047.4, residues 681-701): NDFPLDLSPV[Lys691Arg]KRTRIDEIAS

ClinVar aggregate classification (germline): Uncertain significance (1 of 4 stars; one submission).

gnomAD v4.1: 10 of 1,614,094 alleles (0.00062%); highest among the groups gnomAD compares: Non-Finnish European, 0.00076%; no homozygotes.

Submission:

GeneDx
Classification: Uncertain significance. Last evaluated: 2026-04-14. Review status: criteria provided, single submitter. Criteria: GeneDx Variant Classification Process June 2021. Collection method: clinical testing. Allele origin: germline.
Comment: Not observed at significant frequency in large population cohorts (gnomAD); In silico analysis suggests that this missense variant does not alter protein structure/function; Has not been previously published as pathogenic or benign to our knowledge